The following is an entry in ClinVar:

NM_001278512.2(AP3B2):c.2452dup (p.Ser818fs)

Genes: AP3B2 (adaptor related protein complex 3 subunit beta 2; minus strand), CPEB1-AS1 (CPEB1 antisense RNA 1; plus strand). Cytogenetic location: 15q25.2.
Variant type: Duplication.
Coding change: c.2452dup on transcript NM_001278512.2 (MANE Select); coding-DNA position 2452, one base duplicated (A; older notation c.2452dupA).
Protein change: p.Ser818fs; shifts the reading frame from serine 818.
Molecular consequence: frameshift variant.
Genome position (GRCh38, 1-based): chr15:82,663,605, T duplicated on the plus strand (A on the coding strand, the reverse complement: AP3B2 is on the minus strand); the first of 4 consecutive T bases (chr15:82,663,605-82,663,608); duplicating any one gives the same sequence. VCF-style (leftmost placement, unchanged base first): chr15-82663604-C-CT. GRCh37 (hg19) VCF-style: chr15-83332356-C-CT.
Other names: c.2299dup, p.Ser767fs (NM_001278511.2); c.2395dup, p.Ser799fs (NM_004644.5); short protein forms S799fs, S767fs, S818fs.
Identifiers: ClinVar variation 2121874 (VCV002121874.4), dbSNP rs2548696339, ClinGen allele CA2580090097.

ClinVar aggregate classification (germline): Pathogenic (1 of 4 stars; one submission).

Submission:

Labcorp Genetics (formerly Invitae), Labcorp
Classification: Pathogenic. Last evaluated: 2024-12-27. Review status: criteria provided, single submitter. Criteria: Invitae Variant Classification Sherloc (09022015). Collection method: clinical testing. Allele origin: germline.
Comment: This sequence change creates a premature translational stop signal (p.Ser799Lysfs*12) in the AP3B2 gene. It is expected to result in an absent or disrupted protein product. Loss-of-function variants in AP3B2 are known to be pathogenic (PMID: 27889060). This variant is not present in population databases (gnomAD no frequency). This variant has not been reported in the literature in individuals affected with AP3B2-related conditions. ClinVar contains an entry for this variant (Variation ID: 2121874). For these reasons, this variant has been classified as Pathogenic.

Literature cited by the submitters: PubMed 27889060.